The following is an entry in ClinVar:

NM_000051.4(ATM):c.6370dup (p.Tyr2124fs)

Genes: ATM (ATM serine/threonine kinase; plus strand), C11orf65 (chromosome 11 open reading frame 65; minus strand). Cytogenetic location: 11q22.3.
Variant type: Duplication.
Coding change: c.6370dup on transcript NM_000051.4 (MANE Select); coding-DNA position 6370, one base duplicated (T; older notation c.6370dupT).
Protein change: p.Tyr2124fs; shifts the reading frame from tyrosine 2124.
Molecular consequence: frameshift variant. On other transcripts: intron variant (2).
Genome position (GRCh38, 1-based): chr11:108,319,976, T duplicated; the last of 2 consecutive T bases (chr11:108,319,975-108,319,976); duplicating either gives the same sequence. VCF-style (leftmost placement, unchanged base first): chr11-108319974-G-GT. GRCh37 (hg19) VCF-style: chr11-108190701-G-GT.
Other names: c.6370dup, p.Tyr2124fs (NM_001351834.2); c.641-10904dup (NM_001330368.2); c.*39-10904dup (NM_001351110.2); short protein forms Y2124fs.
Identifiers: ClinVar variation 1071640 (VCV001071640.8), dbSNP rs2136219240, ClinGen allele CA2499220683.

ClinVar aggregate classification (germline): Pathogenic (1 of 4 stars; one submission).

Conditions:
Ataxia-telangiectasia syndrome (AT). Also called: Ataxia telangiectasia (A-T); ATAXIA-TELANGIECTASIA, COMPLEMENTATION GROUP A; ATAXIA-TELANGIECTASIA, FRESNO VARIANT; Ataxia-telangiectasia; Ataxia-telangiectasia, complementation group E; LOUIS-BAR SYNDROME. Identifiers: Orphanet 100, MedGen C0004135, MONDO:0008840, OMIM 208900.

Submission:

Labcorp Genetics (formerly Invitae), Labcorp
Classification: Pathogenic for Ataxia-telangiectasia syndrome. Last evaluated: 2020-07-12. Review status: criteria provided, single submitter. Criteria: Invitae Variant Classification Sherloc (09022015). Collection method: clinical testing. Allele origin: germline.
Comment: This sequence change creates a premature translational stop signal (p.Tyr2124Leufs*3) in the ATM gene. It is expected to result in an absent or disrupted protein product. For these reasons, this variant has been classified as Pathogenic. Loss-of-function variants in ATM are known to be pathogenic (PMID: 23807571, 25614872). This variant has not been reported in the literature in individuals with ATM-related conditions. This variant is not present in population databases (ExAC no frequency).

Literature cited by the submitters: PubMed 23807571; PubMed 25614872.